The following is an entry in ClinVar:

NM_021954.4(GJA3):c.1111G>A (p.Ala371Thr)

Gene: GJA3 (gap junction protein alpha 3; minus strand). Cytogenetic location: 13q12.11.
Variant type: single nucleotide variant.
Coding change: c.1111G>A on transcript NM_021954.4 (MANE Select); coding-DNA position 1111, G replaced by A.
Protein change: p.Ala371Thr; replaces alanine 371 with threonine.
Molecular consequence: missense variant.
Genome position (GRCh38, 1-based): chr13:20,142,178, C>T on the plus strand (G>A on the coding strand, the complement: GJA3 is on the minus strand). VCF-style: chr13-20142178-C-T. GRCh37 (hg19) VCF-style: chr13-20716317-C-T.
Other names: short protein forms A371T.
Identifiers: ClinVar variation 311334 (VCV000311334.39), dbSNP rs141882615, ClinGen allele CA6903988.

ClinVar aggregate classification (germline): Benign/Likely benign. Review status: criteria provided, multiple submitters, no conflicts (2 of 4 stars). 5 submissions from 5 submitters: Benign (2); Likely benign (3). Last evaluated 2025-12-27.

Conditions:
Cataract 14 multiple types. Also called: CATARACT 14, NUCLEAR PULVERULENT; CATARACT 14, NUCLEAR PULVERULENT AND POSTERIOR POLAR; CATARACT 14, NUCLEAR CORALLIFORM; CATARACT 14, EMBRYONAL NUCLEAR; CATARACT 14, COPPOCK-LIKE; CATARACT 14, ZONULAR PULVERULENT. Identifiers: Orphanet 91492, MedGen C1866078, MONDO:0011162, OMIM 601885.

Allele frequency attached by ClinVar (database versions not stated): 1000 Genomes Project 30x 0.00141; TOPMed 0.00213; gnomAD 0.00217 and 0.00218; gnomAD exomes 0.00397 and 0.00174; ExAC 0.00149; 1000 Genomes Project 0.00180.
gnomAD v4.1: 5,662 of 1,512,756 alleles (0.37%); highest among the groups gnomAD compares: Non-Finnish European, 0.47%; 12 homozygotes.

Submissions (5):

Labcorp Genetics (formerly Invitae), Labcorp
Classification: Likely benign for Cataract 14 multiple types. Last evaluated: 2025-12-27. Review status: criteria provided, single submitter. Criteria: Invitae Variant Classification Sherloc (09022015). Collection method: clinical testing. Allele origin: germline.

CeGaT Center for Human Genetics Tuebingen
Classification: Benign. Last evaluated: 2024-05-01. Review status: criteria provided, single submitter. Criteria: CeGaT Center For Human Genetics Tuebingen Variant Classification Criteria Version 2. Collection method: clinical testing. Allele origin: germline. Affected: yes. Observed: 2 variant alleles.
Comment: GJA3: BS1, BS2

Fulgent Genetics
Classification: Likely benign for Cataract 14 multiple types. Last evaluated: 2022-05-09. Review status: criteria provided, single submitter. Criteria: ACMG Guidelines, 2015. Collection method: clinical testing. Allele origin: unknown.

Illumina Laboratory Services, Illumina
Classification: Benign for Cataract 14 multiple types. Last evaluated: 2018-01-13. Review status: criteria provided, single submitter. Criteria: ICSL Variant Classification Criteria 13 December 2019. Collection method: clinical testing. Allele origin: germline.
Comment: This variant was observed in the ICSL laboratory as part of a predisposition screen in an ostensibly healthy population. It had not been previously curated by ICSL or reported in the Human Gene Mutation Database (HGMD: prior to June 1st, 2018), and was therefore a candidate for classification through an automated scoring system. Utilizing variant allele frequency, disease prevalence and penetrance estimates, and inheritance mode, an automated score was calculated to assess if this variant is too frequent to cause the disease. Based on the score and internal cut-off values, a variant classified as benign is not then subjected to further curation. The score for this variant resulted in a classification of benign for this disease.

Breakthrough Genomics
Classification: Likely benign. Review status: criteria provided, single submitter. Criteria: ACMG Guidelines, 2015. Collection method: not provided. Allele origin: germline. Inheritance: Autosomal dominant inheritance. Affected: yes.